The following is an entry in ClinVar:

ClinVar aggregate classification (germline): Uncertain significance (1 of 4 stars; one submission).

gnomAD v4.1: 1 of 1,599,010 alleles (0.000063%); highest among the groups gnomAD compares: Non-Finnish European, 0.000085%; no homozygotes.

Submission:

Ambry Genetics
Classification: Uncertain significance. Last evaluated: 2025-05-17. Review status: criteria provided, single submitter. Criteria: Ambry Variant Classification Scheme 2023. Collection method: clinical testing. Allele origin: germline.
Comment: The p.A218V variant (also known as c.653C>T), located in coding exon 3 of the GFI1 gene, results from a C to T substitution at nucleotide position 653. The alanine at codon 218 is replaced by valine, an amino acid with similar properties. This amino acid position is conserved. In addition, this alteration is predicted to be tolerated by in silico analysis. Based on the available evidence, the clinical significance of this variant remains unclear.

NM_005263.5(GFI1):c.653C>T (p.Ala218Val)

Gene: GFI1 (growth factor independent 1 transcriptional repressor; minus strand). Cytogenetic location: 1p22.1.
Variant type: single nucleotide variant.
Coding change: c.653C>T on transcript NM_005263.5 (MANE Select); coding-DNA position 653, C replaced by T.
Protein change: p.Ala218Val; replaces alanine 218 with valine.
Molecular consequence: missense variant.
Genome position (GRCh38, 1-based): chr1:92,480,734, G>A on the plus strand (C>T on the coding strand, the complement: GFI1 is on the minus strand). VCF-style: chr1-92480734-G-A. GRCh37 (hg19) VCF-style: chr1-92946291-G-A.
Other names: c.653C>T, p.Ala218Val (NM_001127215.3, NM_001127216.3); short protein forms A218V.
Identifiers: ClinVar variation 4029424 (VCV004029424.1).